The following is an entry in ClinVar:

NM_001035.3(RYR2):c.10829A>G (p.Asn3610Ser)

Gene: RYR2 (ryanodine receptor 2; plus strand). Cytogenetic location: 1q43.
Variant type: single nucleotide variant.
Coding change: c.10829A>G on transcript NM_001035.3 (MANE Select); coding-DNA position 10829, A replaced by G.
Protein change: p.Asn3610Ser; replaces asparagine 3610 with serine.
Molecular consequence: missense variant.
Genome position (GRCh38, 1-based): chr1:237,727,190, A>G. VCF-style: chr1-237727190-A-G. GRCh37 (hg19) VCF-style: chr1-237890490-A-G.
Other names: short protein forms N3610S.
Identifiers: ClinVar variation 1993584 (VCV001993584.5), dbSNP rs2527000663, ClinGen allele CA345417074.
Genomic context (GRCh38, chr1:237,727,190, plus strand): 5'-TACTGTCCAAGCAGAGGAAAAGGGCTGTTGTAGCCTGCTTCCGGATGGCCCCCTTATATA[A>G]TCTGCCAAGGTCGGAATTACTTTATTTTTTGTAATAGATCAATGTTATTTTTTCCTAGTA-3'
Protein context (NP_001026.2, residues 3600-3620): VACFRMAPLY[Asn3610Ser]LPRHRAVNLF

ClinVar aggregate classification (germline): Uncertain significance. Review status: criteria provided, multiple submitters, no conflicts (2 of 4 stars). 2 submissions from 2 submitters: Uncertain significance (2). Last evaluated 2023-12-18.

Conditions:
Catecholaminergic polymorphic ventricular tachycardia (CVPT). Also called: Catecholamine-induced polymorphic ventricular tachycardia. Identifiers: Orphanet 3286, MedGen C5574922, MONDO:0017990.
Catecholaminergic polymorphic ventricular tachycardia 1. Also called: VENTRICULAR TACHYCARDIA, CATECHOLAMINERGIC POLYMORPHIC, 1, WITH OR WITHOUT ATRIAL DYSFUNCTION AND/OR DILATED CARDIOMYOPATHY; RYR2-Related Catecholaminergic Polymorphic Ventricular Tachycardia; VENTRICULAR TACHYCARDIA, STRESS-INDUCED POLYMORPHIC 1. Identifiers: Orphanet 3286, MedGen C1631597, MONDO:0011484, OMIM 604772.

gnomAD v4.1: 1 of 1,520,042 alleles (0.000066%); highest among the groups gnomAD compares: African/African-American, 0.0014%; no homozygotes.

Submissions (2):

All of Us Research Program, National Institutes of Health
Classification: Uncertain significance for Catecholaminergic polymorphic ventricular tachycardia. Last evaluated: 2023-12-18. Review status: criteria provided, single submitter. Criteria: ACMG Guidelines, 2015. Collection method: clinical testing. Allele origin: germline. Inheritance: Autosomal dominant inheritance. Observed: 1 variant allele, 1 heterozygote.
Comment: This missense variant replaces asparagine with serine at codon 3610 of the RYR2 protein. Computational prediction is inconclusive regarding the impact of this variant on protein structure and function (internally defined REVEL score threshold 0.5 < inconclusive < 0.7, PMID: 27666373). To our knowledge, functional studies have not been reported for this variant. This variant has not been reported in individuals affected with RYR2-related disorders in the literature. This variant has not been identified in the general population by the Genome Aggregation Database (gnomAD). The available evidence is insufficient to determine the role of this variant in disease conclusively. Therefore, this variant is classified as a Variant of Uncertain Significance.

This study involves interpretation of variants in research participants for the purpose of population health screening. Participant phenotype was not available at the time of variant classification. Additional details can be found in publication PMID: 35346344, PMCID: PMC8962531

Labcorp Genetics (formerly Invitae), Labcorp
Classification: Uncertain significance for Catecholaminergic polymorphic ventricular tachycardia 1. Last evaluated: 2022-05-12. Review status: criteria provided, single submitter. Criteria: Invitae Variant Classification Sherloc (09022015). Collection method: clinical testing. Allele origin: germline.
Comment: This variant has not been reported in the literature in individuals affected with RYR2-related conditions. In summary, the available evidence is currently insufficient to determine the role of this variant in disease. Therefore, it has been classified as a Variant of Uncertain Significance. Algorithms developed to predict the effect of missense changes on protein structure and function are either unavailable or do not agree on the potential impact of this missense change (SIFT: "Deleterious"; PolyPhen-2: "Benign"; Align-GVGD: "Class C45"). This variant is not present in population databases (gnomAD no frequency). This sequence change replaces asparagine, which is neutral and polar, with serine, which is neutral and polar, at codon 3610 of the RYR2 protein (p.Asn3610Ser).